The following is an entry in ClinVar:

ClinVar aggregate classification (germline): Conflicting classifications of pathogenicity. Review status: criteria provided, conflicting classifications (1 of 4 stars). 4 submissions from 4 submitters: Uncertain significance (3); Likely benign (1). Last evaluated 2024-06-03.

Conditions:
Hereditary breast ovarian cancer syndrome. Also called: Hereditary breast and ovarian cancer syndrome; BRCA1- and BRCA2-Associated Hereditary Breast and Ovarian Cancer; Hereditary breast and ovarian cancer; Hereditary breast and ovarian cancer syndrome (HBOC); Breast and ovarian cancer; Hereditary breast and/or ovarian cancer syndrome. Identifiers: Orphanet 145, MedGen C0677776, MeSH D061325, MONDO:0003582. Disease mechanism: loss of function.
Hereditary cancer-predisposing syndrome. Also called: Neoplastic Syndromes, Hereditary; Tumor predisposition; Hereditary Cancer Syndrome; Hereditary neoplastic syndrome. Identifiers: Orphanet 140162, MedGen C0027672, MeSH D009386, MONDO:0015356.

Allele frequency attached by ClinVar (database versions not stated): gnomAD exomes 0.00001.
gnomAD v4.1: 3 of 1,613,814 alleles (0.00019%); highest among the groups gnomAD compares: East Asian, 0.0067%; no homozygotes.

Submissions (4):

Ambry Genetics
Classification: Uncertain significance for Hereditary cancer-predisposing syndrome. Last evaluated: 2024-06-03. Review status: criteria provided, single submitter. Criteria: Ambry Variant Classification Scheme 2023. Collection method: clinical testing. Allele origin: germline.
Comment: The p.V917A variant (also known as c.2750T>C), located in coding exon 10 of the BRCA2 gene, results from a T to C substitution at nucleotide position 2750. The valine at codon 917 is replaced by alanine, an amino acid with similar properties. This amino acid position is not well conserved in available vertebrate species. In addition, this alteration is predicted to be tolerated by in silico analysis. Based on the available evidence, the clinical significance of this variant remains unclear.

University of Washington Department of Laboratory Medicine, University of Washington
Classification: Likely benign for Hereditary cancer-predisposing syndrome. Last evaluated: 2023-03-23. Review status: criteria provided, single submitter. Criteria: Dines et al. (Genet Med. 2020). Collection method: curation. Allele origin: germline.
Comment: Missense variant in a coldspot region where missense variants are very unlikely to be pathogenic (PMID:31911673).

BRCA2 exon 11 coldspot. Reclassification based on statistical prior probability.

Labcorp Genetics (formerly Invitae), Labcorp
Classification: Uncertain significance for Hereditary breast ovarian cancer syndrome. Last evaluated: 2023-01-19. Review status: criteria provided, single submitter. Criteria: Invitae Variant Classification Sherloc (09022015). Collection method: clinical testing. Allele origin: germline.
Comment: In summary, the available evidence is currently insufficient to determine the role of this variant in disease. Therefore, it has been classified as a Variant of Uncertain Significance. Advanced modeling of protein sequence and biophysical properties (such as structural, functional, and spatial information, amino acid conservation, physicochemical variation, residue mobility, and thermodynamic stability) performed at Invitae indicates that this missense variant is not expected to disrupt BRCA2 protein function. ClinVar contains an entry for this variant (Variation ID: 925935). This missense change has been observed in individual(s) with breast and/or ovarian cancer (PMID: 29176636, 29470806). This variant is not present in population databases (gnomAD no frequency). This sequence change replaces valine, which is neutral and non-polar, with alanine, which is neutral and non-polar, at codon 917 of the BRCA2 protein (p.Val917Ala).

Color Diagnostics, LLC DBA Color Health
Classification: Uncertain significance for Hereditary cancer-predisposing syndrome. Last evaluated: 2019-06-05. Review status: criteria provided, single submitter. Criteria: ACMG Guidelines, 2015. Collection method: clinical testing. Allele origin: germline.

Literature cited by the submitters: PubMed 29176636 (cited by Labcorp Genetics (formerly Invitae), Labcorp); PubMed 29470806 (cited by Labcorp Genetics (formerly Invitae), Labcorp).

NM_000059.4(BRCA2):c.2750T>C (p.Val917Ala)

Gene: BRCA2 (BRCA2 DNA repair associated; plus strand). Cytogenetic location: 13q13.1.
Variant type: single nucleotide variant.
Coding change: c.2750T>C on transcript NM_000059.4 (MANE Select); coding-DNA position 2750, T replaced by C.
Protein change: p.Val917Ala; replaces valine 917 with alanine.
Molecular consequence: missense variant.
Genome position (GRCh38, 1-based): chr13:32,337,105, T>C. VCF-style: chr13-32337105-T-C. GRCh37 (hg19) VCF-style: chr13-32911242-T-C.
Other names: short protein forms V917A.
Identifiers: ClinVar variation 925935 (VCV000925935.13), dbSNP rs2072463944, ClinGen allele CA16020671.
Genomic context (GRCh38, chr13:32,337,105, plus strand): 5'-AAAGGAATAATCTTGCTTTAGGAAATACTAAGGAACTTCATGAAACAGACTTGACTTGTG[T>C]AAACGAACCCATTTTCAAGAACTCTACCATGGTTTTATATGGAGACACAGGTGATAAACA-3'
Protein context (NP_000050.3, residues 907-927): KELHETDLTC[Val917Ala]NEPIFKNSTM